The following is an entry in ClinVar:

ClinVar aggregate classification (germline): Uncertain significance (1 of 4 stars; one submission).

Conditions:
Hereditary cancer-predisposing syndrome. Also called: Hereditary Cancer Syndrome; Hereditary neoplastic syndrome; Neoplastic Syndromes, Hereditary; Tumor predisposition. Identifiers: Orphanet 140162, MedGen C0027672, MeSH D009386, MONDO:0015356.

Submission:

Ambry Genetics
Classification: Uncertain significance for Hereditary cancer-predisposing syndrome. Last evaluated: 2023-06-12. Review status: criteria provided, single submitter. Criteria: Ambry Variant Classification Scheme 2023. Collection method: clinical testing. Allele origin: germline.
Comment: The p.V2E variant (also known as c.5T>A), located in coding exon 1 of the CDKN2A (p14ARF) gene, results from a T to A substitution at nucleotide position 5. The valine at codon 2 is replaced by glutamic acid, an amino acid with dissimilar properties. This amino acid position is well conserved in available vertebrate species. In addition, this alteration is predicted to be tolerated by in silico analysis. Since supporting evidence is limited at this time, the clinical significance of this alteration remains unclear.

NM_058195.4(CDKN2A):c.5T>A (p.Val2Glu)

Gene: CDKN2A (cyclin dependent kinase inhibitor 2A; minus strand). Cytogenetic location: 9p21.3.
Variant type: single nucleotide variant.
Coding change: c.5T>A on transcript NM_058195.4 (MANE Plus Clinical); coding-DNA position 5, T replaced by A.
Protein change: p.Val2Glu; replaces valine 2 with glutamic acid.
Molecular consequence: missense variant. On other transcripts: intron variant (1).
Genome position (GRCh38, 1-based): chr9:21,994,327, A>T on the plus strand (T>A on the coding strand, the complement: CDKN2A is on the minus strand). VCF-style: chr9-21994327-A-T. GRCh37 (hg19) VCF-style: chr9-21994326-A-T.
Other names: c.-4+494T>A (NM_001363763.2); short protein forms V2E.
Identifiers: ClinVar variation 2563905 (VCV002563905.2), dbSNP rs2489328462, ClinGen allele CA373087129.